The following is an entry in ClinVar:

ClinVar aggregate classification (germline): Uncertain significance (1 of 4 stars; one submission).

Conditions:
LAMA5-related disorder. Also called: LAMA5-related condition; LAMA5-Related Disorders.

Allele frequency attached by ClinVar (database versions not stated): ExAC 0.00003; TOPMed 0.00003; gnomAD 0.00005.
gnomAD v4.1: 53 of 1,597,666 alleles (0.0033%); highest among the groups gnomAD compares: South Asian, 0.011%; no homozygotes.

Submission:

PreventionGenetics, part of Exact Sciences
Classification: Uncertain significance for LAMA5-related condition. Last evaluated: 2023-04-20. Review status: criteria provided, single submitter. Criteria: ACMG Guidelines, 2015. Collection method: clinical testing. Allele origin: germline.
Comment: The LAMA5 c.9340G>A variant is predicted to result in the amino acid substitution p.Gly3114Ser. To our knowledge, this variant has not been reported in the literature. This variant is reported in 0.0099% of alleles in individuals of South Asian descent in gnomAD. At this time, the clinical significance of this variant is uncertain due to the absence of conclusive functional and genetic evidence.

NM_005560.6(LAMA5):c.9340G>A (p.Gly3114Ser)

Gene: LAMA5 (laminin subunit alpha 5; minus strand). Cytogenetic location: 20q13.33.
Variant type: single nucleotide variant.
Coding change: c.9340G>A on transcript NM_005560.6 (MANE Select); coding-DNA position 9340, G replaced by A.
Protein change: p.Gly3114Ser; replaces glycine 3114 with serine.
Molecular consequence: missense variant.
Genome position (GRCh38, 1-based): chr20:62,312,420, C>T on the plus strand (G>A on the coding strand, the complement: LAMA5 is on the minus strand). VCF-style: chr20-62312420-C-T. GRCh37 (hg19) VCF-style: chr20-60887476-C-T.
Other names: short protein forms G3114S.
Identifiers: ClinVar variation 2635871 (VCV002635871.1), dbSNP rs758358407, ClinGen allele CA9940304.